The following is an entry in ClinVar:

ClinVar aggregate classification (germline): Uncertain significance. Review status: criteria provided, multiple submitters, no conflicts (2 of 4 stars). 2 submissions from 2 submitters: Uncertain significance (2). Last evaluated 2024-08-05.

Conditions:
Hereditary cancer-predisposing syndrome. Also called: Tumor predisposition; Hereditary Cancer Syndrome; Hereditary neoplastic syndrome; Neoplastic Syndromes, Hereditary. Identifiers: Orphanet 140162, MedGen C0027672, MeSH D009386, MONDO:0015356.
Familial cancer of breast. Also called: BREAST CANCER, FAMILIAL; hereditary breast carcinoma; Hereditary breast cancer. Identifiers: Orphanet 227535, MedGen C0346153, MONDO:0016419, OMIM 114480. Disease mechanism: loss of function.

Submissions (2):

Ambry Genetics
Classification: Uncertain significance for Hereditary cancer-predisposing syndrome. Last evaluated: 2024-08-05. Review status: criteria provided, single submitter. Criteria: Ambry Variant Classification Scheme 2023. Collection method: clinical testing. Allele origin: germline.
Comment: The p.E771D variant (also known as c.2313G>C), located in coding exon 11 of the BARD1 gene, results from a G to C substitution at nucleotide position 2313. The glutamic acid at codon 771 is replaced by aspartic acid, an amino acid with highly similar properties. This amino acid position is conserved. In addition, this alteration is predicted to be tolerated by in silico analysis. Based on the available evidence, the clinical significance of this variant remains unclear.

Labcorp Genetics (formerly Invitae), Labcorp
Classification: Uncertain significance for Familial cancer of breast. Last evaluated: 2024-05-01. Review status: criteria provided, single submitter. Criteria: Invitae Variant Classification Sherloc (09022015). Collection method: clinical testing. Allele origin: germline.
Comment: This sequence change replaces glutamic acid, which is acidic and polar, with aspartic acid, which is acidic and polar, at codon 771 of the BARD1 protein (p.Glu771Asp). This variant is not present in population databases (gnomAD no frequency). This variant has not been reported in the literature in individuals affected with BARD1-related conditions. An algorithm developed to predict the effect of missense changes on protein structure and function (PolyPhen-2) suggests that this variant is likely to be tolerated. In summary, the available evidence is currently insufficient to determine the role of this variant in disease. Therefore, it has been classified as a Variant of Uncertain Significance.

NM_000465.4(BARD1):c.2313G>C (p.Glu771Asp)

Gene: BARD1 (BRCA1 associated RING domain 1; minus strand). Cytogenetic location: 2q35.
Variant type: single nucleotide variant.
Coding change: c.2313G>C on transcript NM_000465.4 (MANE Select); coding-DNA position 2313, G replaced by C.
Protein change: p.Glu771Asp; replaces glutamic acid 771 with aspartic acid.
Molecular consequence: missense variant. On other transcripts: non-coding transcript variant (3).
Genome position (GRCh38, 1-based): chr2:214,728,697, C>G on the plus strand (G>C on the coding strand, the complement: BARD1 is on the minus strand). VCF-style: chr2-214728697-C-G. GRCh37 (hg19) VCF-style: chr2-215593421-C-G.
Other names: c.2256G>C, p.Glu752Asp (NM_001282543.2); c.960G>C, p.Glu320Asp (NM_001282545.2); c.903G>C, p.Glu301Asp (NM_001282548.2); c.774G>C, p.Glu258Asp (NM_001282549.2); c.2313G>C (NM_000465.2); short protein forms E771D, E258D, E301D, E320D, E752D.
Identifiers: ClinVar variation 2808827 (VCV002808827.4), dbSNP rs762887239, ClinGen allele CA350449723.